The following is an entry in ClinVar:

ClinVar aggregate classification (germline): Uncertain significance (1 of 4 stars; one submission).

Conditions:
Autosomal recessive limb-girdle muscular dystrophy type 2W (MDRCMTT). Also called: Muscular dystrophy, autosomal recessive, with cardiomyopathy and triangular tongue; Muscular dystrophy, limb-girdle, type 2W. Identifiers: MedGen C4225192, MONDO:0014788, OMIM 616827.

Allele frequency attached by ClinVar (database versions not stated): TOPMed 0.00002.
gnomAD v4.1: 20 of 1,611,002 alleles (0.0012%); highest among the groups gnomAD compares: Non-Finnish European, 0.0017%; no homozygotes.

Submission:

Labcorp Genetics (formerly Invitae), Labcorp
Classification: Uncertain significance for Autosomal recessive limb-girdle muscular dystrophy type 2W. Last evaluated: 2019-05-31. Review status: criteria provided, single submitter. Criteria: Invitae Variant Classification Sherloc (09022015). Collection method: clinical testing. Allele origin: germline.
Comment: In summary, the available evidence is currently insufficient to determine the role of this variant in disease. Therefore, it has been classified as a Variant of Uncertain Significance. Algorithms developed to predict the effect of missense changes on protein structure and function are either unavailable or do not agree on the potential impact of this missense change (SIFT: "Deleterious"; PolyPhen-2: "Probably Damaging"; Align-GVGD: "Class C15"). This variant has not been reported in the literature in individuals with LIMS2-related conditions. This variant is not present in population databases (ExAC no frequency). This sequence change replaces alanine with glutamic acid at codon 234 of the LIMS2 protein (p.Ala234Glu). The alanine residue is highly conserved and there is a moderate physicochemical difference between alanine and glutamic acid.

NM_001161403.3(LIMS2):c.635C>A (p.Ala212Glu)

Gene: LIMS2 (LIM zinc finger domain containing 2; minus strand). Cytogenetic location: 2q14.3.
Variant type: single nucleotide variant.
Coding change: c.635C>A on transcript NM_001161403.3 (MANE Select); coding-DNA position 635, C replaced by A.
Protein change: p.Ala212Glu; replaces alanine 212 with glutamic acid.
Molecular consequence: missense variant.
Genome position (GRCh38, 1-based): chr2:127,642,074, G>T on the plus strand (C>A on the coding strand, the complement: LIMS2 is on the minus strand). VCF-style: chr2-127642074-G-T. GRCh37 (hg19) VCF-style: chr2-128399649-G-T.
Other names: c.701C>A, p.Ala234Glu (NM_001136037.4); c.620C>A, p.Ala207Glu (NM_001161404.2); c.179C>A, p.Ala60Glu (NM_001256542.2); c.707C>A, p.Ala236Glu (NM_017980.5); short protein forms A234E, A236E, A60E, A212E, A207E.
Identifiers: ClinVar variation 938818 (VCV000938818.10), dbSNP rs138275119, ClinGen allele CA348425001.
Genomic context (GRCh38, chr2:127,642,074, plus strand): 5'-CAACCTGAGGCCACGTGTCCACCAGCCTGGCTCACCTCCACGTGCCACTGCTTGCCCAGC[G>T]CGTTGACCACTCGGCCCTCGATGGGCCGGCGGCAGGCCCCGCAGATGGGGACGCCCATCT-3'
Protein context (NP_001154875.1, residues 202-222): RRPIEGRVVN[Ala212Glu]LGKQWHVEHF